The following is an entry in ClinVar:

ClinVar aggregate classification (germline): Uncertain significance (1 of 4 stars; one submission).

Conditions:
Cardiovascular phenotype. Identifiers: MedGen CN230736.

gnomAD v4.1: 1 of 1,614,062 alleles (0.000062%); highest among the groups gnomAD compares: Non-Finnish European, 0.000085%; no homozygotes.

Submission:

Ambry Genetics
Classification: Uncertain significance for Cardiovascular phenotype. Last evaluated: 2026-04-23. Review status: criteria provided, single submitter. Criteria: Ambry Variant Classification Scheme 2023. Collection method: clinical testing. Allele origin: germline.
Comment: The p.R911G variant (also known as c.2731A>G), located in coding exon 12 of the MYPN gene, results from an A to G substitution at nucleotide position 2731. The arginine at codon 911 is replaced by glycine, an amino acid with dissimilar properties. This amino acid position is conserved. In addition, this alteration is predicted to be deleterious by in silico analysis. Based on the available evidence, the clinical significance of this variant remains unclear.

NM_032578.4(MYPN):c.2731A>G (p.Arg911Gly)

Gene: MYPN (myopalladin; plus strand). Cytogenetic location: 10q21.3.
Variant type: single nucleotide variant.
Coding change: c.2731A>G on transcript NM_032578.4 (MANE Select); coding-DNA position 2731, A replaced by G.
Protein change: p.Arg911Gly; replaces arginine 911 with glycine.
Molecular consequence: missense variant. On other transcripts: non-coding transcript variant (2).
Genome position (GRCh38, 1-based): chr10:68,188,932, A>G. VCF-style: chr10-68188932-A-G. GRCh37 (hg19) VCF-style: chr10-69948689-A-G.
Other names: c.2731A>G, p.Arg911Gly (NM_001256267.2); c.1849A>G, p.Arg617Gly (NM_001256268.2); short protein forms R617G, R911G.
Identifiers: ClinVar variation 4860704 (VCV004860704.1).